The following is an entry in ClinVar:

ClinVar aggregate classification (germline): Uncertain significance. Review status: criteria provided, multiple submitters, no conflicts (2 of 4 stars). 2 submissions from 2 submitters: Uncertain significance (2). Last evaluated 2022-05-03.

Conditions:
Neurodevelopmental disorder with dysmorphic facies and distal limb anomalies. Identifiers: Orphanet 686482, MedGen C4540327, MONDO:0060596, OMIM 617755.

Submissions (2):

Labcorp Genetics (formerly Invitae), Labcorp
Classification: Uncertain significance. Last evaluated: 2022-05-03. Review status: criteria provided, single submitter. Criteria: Invitae Variant Classification Sherloc (09022015). Collection method: clinical testing. Allele origin: germline.
Comment: In summary, the available evidence is currently insufficient to determine the role of this variant in disease. Therefore, it has been classified as a Variant of Uncertain Significance. Experimental studies and prediction algorithms are not available or were not evaluated, and the functional significance of this variant is currently unknown. This variant has not been reported in the literature in individuals affected with BPTF-related conditions. This variant is present in population databases (rs768839258, gnomAD 0.004%). This variant, c.551_556dup, results in the insertion of 2 amino acid(s) of the BPTF protein (p.Asp184_Asp185dup), but otherwise preserves the integrity of the reading frame.

Centre for Mendelian Genomics, University Medical Centre Ljubljana
Classification: Uncertain significance for Neurodevelopmental disorder with dysmorphic facies and distal limb anomalies. Last evaluated: 2019-08-12. Review status: criteria provided, single submitter. Criteria: ACMG Guidelines, 2015. Collection method: clinical testing. Allele origin: unknown. Affected: yes.
Comment: This variant was classified as: Uncertain significance. The available evidence on this variant's pathogenicity is insufficient or conflicting. The following ACMG criteria were applied in classifying this variant: BP3.

NM_182641.4(BPTF):c.542ACG[7] (p.Asp184_Asp185dup)

Genes: BPTF (bromodomain PHD finger transcription factor; plus strand), LOC130061496 (ATAC-STARR-seq lymphoblastoid active region 12632; plus strand). Cytogenetic location: 17q24.2.
Variant type: Microsatellite.
Coding change: c.542ACG[7] on transcript NM_182641.4 (MANE Select); seven copies in a row of the 3-base unit ACG starting at c.542; the reference has five copies in a row; two copies, 6 bases duplicated.
Protein change: p.Asp184_Asp185dup.
Molecular consequence: inframe insertion.
Genome position (GRCh38, 1-based): chr17:67,826,275-67,826,280, ACGACG duplicated; duplicating any 6 consecutive bases within chr17:67,826,265-67,826,280 gives the same sequence; the position shown is the placement nearest the transcript's 3' end. VCF-style (leftmost placement, unchanged base first): chr17-67826264-A-AGACGAC. GRCh37 (hg19) VCF-style: chr17-65822380-A-AGACGAC.
Other names: c.542ACG[7], p.Asp184_Asp185dup (NM_004459.7).
Identifiers: ClinVar variation 931596 (VCV000931596.8), dbSNP rs554343942, ClinGen allele CA8725007.